The following is an entry in ClinVar:

NC_000017.11:g.50188787_50188796del

Gene: COL1A1 (collagen type I alpha 1 chain; minus strand). Cytogenetic location: 17q21.33.
Variant type: Deletion.
Genome position: GRCh38 VCF-style: chr17-50188784-ACCAGGAGCCC-A. GRCh37 (hg19) VCF-style: chr17-48266145-ACCAGGAGCCC-A.
Identifiers: ClinVar variation 3662196 (VCV003662196.2).

ClinVar aggregate classification (germline): Pathogenic (1 of 4 stars; one submission).

Conditions:
Osteogenesis imperfecta type I (OI1). Also called: Lobstein's Disease; Lobstein disease; Classic Non-deforming Osteogenesis Imperfecta with Blue Sclerae; OI, TYPE I; OSTEOGENESIS IMPERFECTA TARDA; OSTEOGENESIS IMPERFECTA WITH BLUE SCLERAE. Identifiers: Orphanet 216796, Orphanet 666, MedGen C0023931, MONDO:0008146, OMIM 166200. Disease mechanism: loss of function.

Submission:

Labcorp Genetics (formerly Invitae), Labcorp
Classification: Pathogenic for Osteogenesis imperfecta type I. Last evaluated: 2024-08-12. Review status: criteria provided, single submitter. Criteria: Invitae Variant Classification Sherloc (09022015). Collection method: clinical testing. Allele origin: germline.
Comment: This sequence change creates a premature translational stop signal (p.Gly1016Valfs*89) in the COL1A1 gene. It is expected to result in an absent or disrupted protein product. Loss-of-function variants in COL1A1 are known to be pathogenic (PMID: 7942841, 9295084, 9443882). This variant is not present in population databases (gnomAD no frequency). This variant has not been reported in the literature in individuals affected with COL1A1-related conditions. For these reasons, this variant has been classified as Pathogenic.

Literature cited by the submitters: PubMed 7942841; PubMed 9295084; PubMed 9443882.